The following is an entry in ClinVar:

ClinVar aggregate classification (germline): Pathogenic (1 of 4 stars; one submission).

Conditions:
X-linked severe combined immunodeficiency (SCIDX1). Also called: IMMUNODEFICIENCY 4; SCID, X-LINKED; SEVERE COMBINED IMMUNODEFICIENCY, X-LINKED, T CELL-NEGATIVE, B CELL-POSITIVE, NK CELL-NEGATIVE; X-Linked Combined Immunodeficiency Diseases; T-B+ severe combined immunodeficiency due to gamma chain deficiency. Identifiers: Orphanet 276, MedGen C6022468, MONDO:0010315, OMIM 300400. Disease mechanism: loss of function.

Submission:

Labcorp Genetics (formerly Invitae), Labcorp
Classification: Pathogenic for X-linked severe combined immunodeficiency. Last evaluated: 2025-04-03. Review status: criteria provided, single submitter. Criteria: Invitae Variant Classification Sherloc (09022015). Collection method: clinical testing. Allele origin: germline.
Comment: This sequence change affects an acceptor splice site in intron 6 of the IL2RG gene. RNA analysis indicates that disruption of this splice site induces altered splicing and likely disrupts the C-terminus of the protein. This variant is not present in population databases (gnomAD no frequency). Disruption of this splice site has been observed in individuals with severe combined immunodeficiency (PMID: 28359783, 28747913; internal data). Studies have shown that disruption of this splice site results in skipping of exon 7 and introduces a new termination codon (PMID: 28359783). However the mRNA is not expected to undergo nonsense-mediated decay. For these reasons, this variant has been classified as Pathogenic.

Literature cited by the submitters: PubMed 28359783; PubMed 28747913.

NM_000206.3(IL2RG):c.855-2A>G

Gene: IL2RG (interleukin 2 receptor subunit gamma; minus strand). Cytogenetic location: Xq13.1.
Variant type: single nucleotide variant.
Coding change: c.855-2A>G on transcript NM_000206.3 (MANE Select); the canonical splice acceptor site of the intron before coding-DNA position 855, A replaced by G.
Molecular consequence: splice acceptor variant.
Genome position (GRCh38, 1-based): chrX:71,108,348, T>C on the plus strand (A>G on the coding strand, the complement: IL2RG is on the minus strand). VCF-style: chrX-71108348-T-C. GRCh37 (hg19) VCF-style: chrX-70328198-T-C.
Other names: c.758-2A>G (NM_001438870.1).
Identifiers: ClinVar variation 4710793 (VCV004710793.1).
Genomic context (GRCh38, chrX:71,108,348, plus strand): 5'-CGTGGTATTCAGTAACAAGATCCTCTAGGTTCTTCAGGGTGGGAATTCGGGGCATCGTCC[T>C]GACAGGGGAGAAAGAGGGAGCAGGAGCACATAGGTTAAAGCTTTTTTATCACCCTTCTCC-3'